The following is an entry in ClinVar:

NM_015041.3(CLUAP1):c.221C>T (p.Ala74Val)

Gene: CLUAP1 (clusterin associated protein 1; plus strand). Cytogenetic location: 16p13.3.
Variant type: single nucleotide variant.
Coding change: c.221C>T on transcript NM_015041.3 (MANE Select); coding-DNA position 221, C replaced by T.
Protein change: p.Ala74Val; replaces alanine 74 with valine.
Molecular consequence: missense variant.
Genome position (GRCh38, 1-based): chr16:3,508,290, C>T. VCF-style: chr16-3508290-C-T. GRCh37 (hg19) VCF-style: chr16-3558290-C-T.
Other names: c.221C>T, p.Ala74Val (NM_001330454.2); short protein forms A74V.
Identifiers: ClinVar variation 1019719 (VCV001019719.6), dbSNP rs1391290532, ClinGen allele CA394512130.
Genomic context (GRCh38, chr16:3,508,290, plus strand): 5'-TAGTTTAGACATTACATGGAAAGGGCCTTCAACTTTTTTTTTTTTTGGTCTAAAAATAGG[C>T]CACCAAGGCACATATAAAACTCAACACTAAGAAGCTTTATCAAGCAGATGGGTATGCGGT-3'
Protein context (NP_055856.1, residues 64-84): FFIKAIAQFM[Ala74Val]TKAHIKLNTK

ClinVar aggregate classification (germline): Uncertain significance (1 of 4 stars; one submission).

Allele frequency attached by ClinVar (database versions not stated): gnomAD exomes below 0.00001.
gnomAD v4.1: 1 of 1,586,556 alleles (0.000063%); no homozygotes.

Submission:

Labcorp Genetics (formerly Invitae), Labcorp
Classification: Uncertain significance. Last evaluated: 2025-03-17. Review status: criteria provided, single submitter. Criteria: Invitae Variant Classification Sherloc (09022015). Collection method: clinical testing. Allele origin: germline.
Comment: This sequence change replaces alanine, which is neutral and non-polar, with valine, which is neutral and non-polar, at codon 74 of the CLUAP1 protein (p.Ala74Val). The frequency data for this variant in the population databases is considered unreliable, as metrics indicate poor data quality at this position in the gnomAD database. This variant has not been reported in the literature in individuals affected with CLUAP1-related conditions. ClinVar contains an entry for this variant (Variation ID: 1019719). An algorithm developed to predict the effect of missense changes on protein structure and function (PolyPhen-2) suggests that this variant is likely to be tolerated. In summary, the available evidence is currently insufficient to determine the role of this variant in disease. Therefore, it has been classified as a Variant of Uncertain Significance.